The following is an entry in ClinVar:

NM_001903.5(CTNNA1):c.2710G>A (p.Asp904Asn)

Gene: CTNNA1 (catenin alpha 1; plus strand). Cytogenetic location: 5q31.2.
Variant type: single nucleotide variant.
Coding change: c.2710G>A on transcript NM_001903.5 (MANE Select); coding-DNA position 2710, G replaced by A.
Protein change: p.Asp904Asn; replaces aspartic acid 904 with asparagine.
Molecular consequence: missense variant. On other transcripts: 3 prime UTR variant (5).
Genome position (GRCh38, 1-based): chr5:138,934,078, G>A. VCF-style: chr5-138934078-G-A. GRCh37 (hg19) VCF-style: chr5-138269767-G-A.
Other names: c.2710G>A (NM_001903.2); c.*255G>A (NM_001290307.3, NM_001324002.1, NM_001324003.1 and 2 more transcripts); c.2401G>A, p.Asp801Asn (NM_001290309.3); c.2341G>A, p.Asp781Asn (NM_001290310.3); c.1600G>A, p.Asp534Asn (NM_001290312.1, NM_001323987.1, NM_001323998.1 and 12 more transcripts); c.2710G>A, p.Asp904Asn (NM_001323982.2, NM_001323983.1, NM_001323984.2); c.2683G>A, p.Asp895Asn (NM_001323985.2); c.2617G>A, p.Asp873Asn (NM_001323986.2); and 4 more; short protein forms D453N, D534N, D421N, D503N, D895N, D489N, D801N, D873N.
Identifiers: ClinVar variation 1523608 (VCV001523608.7), dbSNP rs2150360615, ClinGen allele CA361135825.

ClinVar aggregate classification (germline): Uncertain significance. Review status: criteria provided, multiple submitters, no conflicts (2 of 4 stars). 2 submissions from 2 submitters: Uncertain significance (2). Last evaluated 2025-07-28.

Conditions:
Hereditary cancer-predisposing syndrome. Also called: Hereditary neoplastic syndrome; Hereditary Cancer Syndrome; Tumor predisposition; Neoplastic Syndromes, Hereditary. Identifiers: Orphanet 140162, MedGen C0027672, MeSH D009386, MONDO:0015356.

Submissions (2):

Ambry Genetics
Classification: Uncertain significance for Hereditary cancer-predisposing syndrome. Last evaluated: 2025-07-28. Review status: criteria provided, single submitter. Criteria: Ambry Variant Classification Scheme 2023. Collection method: clinical testing. Allele origin: germline.
Comment: The p.D904N variant (also known as c.2710G>A), located in coding exon 17 of the CTNNA1 gene, results from a G to A substitution at nucleotide position 2710. The aspartic acid at codon 904 is replaced by asparagine, an amino acid with highly similar properties. This amino acid position is conserved. In addition, this alteration is predicted to be tolerated by in silico analysis. Based on the available evidence, the clinical significance of this variant remains unclear.

Labcorp Genetics (formerly Invitae), Labcorp
Classification: Uncertain significance. Last evaluated: 2021-09-29. Review status: criteria provided, single submitter. Criteria: Invitae Variant Classification Sherloc (09022015). Collection method: clinical testing. Allele origin: germline.
Comment: This sequence change replaces aspartic acid with asparagine at codon 904 of the CTNNA1 protein (p.Asp904Asn). The aspartic acid residue is moderately conserved and there is a small physicochemical difference between aspartic acid and asparagine. In summary, the available evidence is currently insufficient to determine the role of this variant in disease. Therefore, it has been classified as a Variant of Uncertain Significance. Algorithms developed to predict the effect of missense changes on protein structure and function are either unavailable or do not agree on the potential impact of this missense change (SIFT: "Deleterious"; PolyPhen-2: "Benign"; Align-GVGD: "Class C0"). This variant has not been reported in the literature in individuals affected with CTNNA1-related conditions. This variant is not present in population databases (ExAC no frequency).